The following is an entry in ClinVar:

ClinVar aggregate classification (germline): Uncertain significance (1 of 4 stars; one submission).

Submission:

GeneDx
Classification: Uncertain significance. Last evaluated: 2022-12-12. Review status: criteria provided, single submitter. Criteria: GeneDx Variant Classification Process June 2021. Collection method: clinical testing. Allele origin: germline. Affected: yes.
Comment: Not observed at significant frequency in large population cohorts (gnomAD); In silico analysis supports that this missense variant has a deleterious effect on protein structure/function; Has not been previously published as pathogenic or benign to our knowledge

NM_000095.3(COMP):c.2077G>T (p.Gly693Cys)

Gene: COMP (cartilage oligomeric matrix protein; minus strand). Cytogenetic location: 19p13.11.
Variant type: single nucleotide variant.
Coding change: c.2077G>T on transcript NM_000095.3 (MANE Select); coding-DNA position 2077, G replaced by T.
Protein change: p.Gly693Cys; replaces glycine 693 with cysteine.
Molecular consequence: missense variant.
Genome position (GRCh38, 1-based): chr19:18,784,201, C>A on the plus strand (G>T on the coding strand, the complement: COMP is on the minus strand). VCF-style: chr19-18784201-C-A. GRCh37 (hg19) VCF-style: chr19-18895011-C-A.
Other names: short protein forms G693C.
Identifiers: ClinVar variation 2504690 (VCV002504690.1), dbSNP rs2512844384, ClinGen allele CA404876321.